The following is an entry in ClinVar:

ClinVar aggregate classification (germline): Conflicting classifications of pathogenicity. Review status: criteria provided, conflicting classifications (1 of 4 stars). 5 submissions from 4 submitters: Uncertain significance (2); Likely benign (3). Last evaluated 2026-04-13.

Conditions:
C1QTNF5-related disorder. Also called: C1QTNF5-related condition.
Isolated microphthalmia 5. Also called: Posterior Microphthalmia with Retinitis Pigmentosa, Foveoschisis, and Optic Disc Drusen. Identifiers: Orphanet 251279, MedGen C1970236, MONDO:0012605, OMIM 611040.
Late-onset retinal degeneration (LORD). Also called: RETINAL DEGENERATION, LATE-ONSET, AUTOSOMAL DOMINANT. Identifiers: Orphanet 67042, MedGen C1854065, MONDO:0011579, OMIM 605670. Disease mechanism: loss of function.

Allele frequency attached by ClinVar (database versions not stated): gnomAD exomes 0.00010 and 0.00008; TOPMed 0.00007; gnomAD 0.00007 and 0.00008; ESP Exome Variant Server 0.00008; ExAC 0.00010.

Submissions (5):

PreventionGenetics, part of Exact Sciences
Classification: Likely benign for C1QTNF5-related condition. Last evaluated: 2026-04-13. Review status: criteria provided, single submitter. Criteria: ACMG Guidelines, 2015. Collection method: clinical testing. Allele origin: germline.
Comment: This variant is classified as likely benign based on ACMG/AMP sequence variant interpretation guidelines (Richards et al. 2015 PMID: 25741868, with internal and published modifications).

Labcorp Genetics (formerly Invitae), Labcorp
Classification: Likely benign for Isolated microphthalmia 5. Last evaluated: 2025-12-29. Review status: criteria provided, single submitter. Criteria: Invitae Variant Classification Sherloc (09022015). Collection method: clinical testing. Allele origin: germline.

Blueprint Genetics
Classification: Likely benign. Last evaluated: 2023-11-22. Review status: criteria provided, single submitter. Criteria: ACMG Guidelines, 2015. Collection method: clinical testing. Allele origin: germline.

Illumina Laboratory Services, Illumina
Classification: Uncertain significance for Isolated microphthalmia 5. Last evaluated: 2018-01-13. Review status: criteria provided, single submitter. Criteria: ICSL Variant Classification Criteria 13 December 2019. Collection method: clinical testing. Allele origin: germline.

Illumina Laboratory Services, Illumina
Classification: Uncertain significance for Late-onset retinal degeneration. Last evaluated: 2018-01-13. Review status: criteria provided, single submitter. Criteria: ICSL Variant Classification Criteria 13 December 2019. Collection method: clinical testing. Allele origin: germline.

NM_031433.4(MFRP):c.861C>T (p.Asp287=)

Genes: C1QTNF5 (C1q and TNF related 5; minus strand), MFRP (membrane frizzled-related protein; minus strand). Cytogenetic location: 11q23.3.
Variant type: single nucleotide variant.
Coding change: c.861C>T on transcript NM_031433.4 (MANE Select); coding-DNA position 861, C replaced by T.
Protein change: p.Asp287=; no amino-acid change (aspartic acid 287 retained).
Molecular consequence: synonymous variant. On other transcripts: 5 prime UTR variant (1).
Genome position (GRCh38, 1-based): chr11:119,344,669, G>A on the plus strand (C>T on the coding strand, the complement: MFRP is on the minus strand). VCF-style: chr11-119344669-G-A. GRCh37 (hg19) VCF-style: chr11-119215379-G-A.
Other names: c.-1776C>T (NM_015645.5).
Identifiers: ClinVar variation 302963 (VCV000302963.19), dbSNP rs140710522, ClinGen allele CA6320372.